The following is an entry in ClinVar:

ClinVar aggregate classification (germline): Conflicting classifications of pathogenicity. Review status: criteria provided, conflicting classifications (1 of 4 stars). 2 submissions from 2 submitters: Likely pathogenic (1); Uncertain significance (1). Last evaluated 2024-04-18.

Conditions:
F9-related disorders.
Thrombophilia, X-linked, due to factor 9 defect. Identifiers: MedGen C2749016, MONDO:0010432, OMIM 300807.
Hereditary factor IX deficiency disease (HEMB). Also called: Christmas Disease; Hemophilia B; F9 DEFICIENCY; FACTOR IX DEFICIENCY; PLASMA THROMBOPLASTIN COMPONENT DEFICIENCY. Identifiers: Orphanet 98879, MedGen C0008533, MeSH D002836, MONDO:0010604, OMIM 306900.

Submissions (2):

Blueprint Genetics
Classification: Likely pathogenic for F9-related disorders. Last evaluated: 2024-04-18. Review status: criteria provided, single submitter. Criteria: ACMG Guidelines, 2015. Collection method: clinical testing. Allele origin: germline. Affected: yes. Observed: 1 variant allele.

Labcorp Genetics (formerly Invitae), Labcorp
Classification: Uncertain significance for Thrombophilia, X-linked, due to factor 9 defect; Hereditary factor IX deficiency disease. Last evaluated: 2024-01-20. Review status: criteria provided, single submitter. Criteria: Invitae Variant Classification Sherloc (09022015). Collection method: clinical testing. Allele origin: germline.
Comment: This sequence change replaces glycine, which is neutral and non-polar, with glutamic acid, which is acidic and polar, at codon 349 of the F9 protein (p.Gly349Glu). This variant is not present in population databases (gnomAD no frequency). This variant has not been reported in the literature in individuals affected with F9-related conditions. ClinVar contains an entry for this variant (Variation ID: 1410789). Advanced modeling of protein sequence and biophysical properties (such as structural, functional, and spatial information, amino acid conservation, physicochemical variation, residue mobility, and thermodynamic stability) performed at Invitae indicates that this missense variant is not expected to disrupt F9 protein function with a negative predictive value of 80%. In summary, the available evidence is currently insufficient to determine the role of this variant in disease. Therefore, it has been classified as a Variant of Uncertain Significance.

NM_000133.4(F9):c.1046G>A (p.Gly349Glu)

Gene: F9 (coagulation factor IX; plus strand). Cytogenetic location: Xq27.1.
Variant type: single nucleotide variant.
Coding change: c.1046G>A on transcript NM_000133.4 (MANE Select); coding-DNA position 1046, G replaced by A.
Protein change: p.Gly349Glu; replaces glycine 349 with glutamic acid.
Molecular consequence: missense variant.
Genome position (GRCh38, 1-based): chrX:139,561,731, G>A. VCF-style: chrX-139561731-G-A. GRCh37 (hg19) VCF-style: chrX-138643890-G-A.
Other names: c.932G>A, p.Gly311Glu (NM_001313913.2); short protein forms G349E, G311E.
Identifiers: ClinVar variation 1410789 (VCV001410789.9), dbSNP rs1928113004, ClinGen allele CA414445569.